The following is an entry in ClinVar:

NM_025114.4(CEP290):c.3761dup (p.Leu1254fs)

Gene: CEP290 (centrosomal protein 290; minus strand). Cytogenetic location: 12q21.32.
Variant type: Duplication.
Coding change: c.3761dup on transcript NM_025114.4 (MANE Select); coding-DNA position 3761, one base duplicated (T; older notation c.3761dupT).
Protein change: p.Leu1254fs; shifts the reading frame from leucine 1254.
Molecular consequence: frameshift variant.
Genome position (GRCh38, 1-based): chr12:88,089,300, A duplicated on the plus strand (T on the coding strand, the reverse complement: CEP290 is on the minus strand); the first of 3 consecutive A bases (chr12:88,089,300-88,089,302); duplicating any one gives the same sequence. VCF-style (leftmost placement, unchanged base first): chr12-88089299-C-CA. GRCh37 (hg19) VCF-style: chr12-88483076-C-CA.
Other names: short protein forms L1254fs.
Identifiers: ClinVar variation 1451250 (VCV001451250.6), dbSNP rs750520052, ClinGen allele CA6712088.

ClinVar aggregate classification (germline): Pathogenic (1 of 4 stars; one submission).

Conditions:
Nephronophthisis. Also called: Juvenile Nephronophthisis. Identifiers: Orphanet 655, MedGen C0687120, MONDO:0019005, HP:0000090.
Meckel-Gruber syndrome. Also called: DYSENCEPHALIA SPLANCHNOCYSTICA; GRUBER SYNDROME; Dysencephalia splachnocystica. Identifiers: Orphanet 564, MedGen C0265215, MONDO:0018921.
Joubert syndrome. Also called: CEREBELLOPARENCHYMAL DISORDER IV; JOUBERT-BOLTSHAUSER SYNDROME; Familial aplasia of the vermis. Identifiers: Orphanet 475, MedGen C5979921, MONDO:0018772.

Submission:

Labcorp Genetics (formerly Invitae), Labcorp
Classification: Pathogenic for Joubert syndrome; Meckel-Gruber syndrome; Nephronophthisis. Last evaluated: 2021-03-21. Review status: criteria provided, single submitter. Criteria: Invitae Variant Classification Sherloc (09022015). Collection method: clinical testing. Allele origin: germline.
Comment: For these reasons, this variant has been classified as Pathogenic. This variant has not been reported in the literature in individuals with CEP290-related conditions. This variant is present in population databases (rs750520052, ExAC 0.002%). This sequence change creates a premature translational stop signal (p.Leu1254Phefs*22) in the CEP290 gene. It is expected to result in an absent or disrupted protein product. Loss-of-function variants in CEP290 are known to be pathogenic (PMID: 16909394, 17345604, 20690115).

Literature cited by the submitters: PubMed 16909394; PubMed 17345604; PubMed 20690115.